The following is an entry in ClinVar:

ClinVar aggregate classification (germline): Pathogenic. Review status: criteria provided, multiple submitters, no conflicts (2 of 4 stars). 4 submissions from 4 submitters: Pathogenic (3). 1 of the submissions does not count toward it. Last evaluated 2024-09-25.

Conditions:
Intellectual developmental disorder, autosomal dominant 64. Also called: MENTAL RETARDATION, AUTOSOMAL DOMINANT 64. Identifiers: MedGen C5543067, MONDO:0030934, OMIM 619188.
Neurodevelopmental disorder. Identifiers: MedGen C1535926, MeSH D065886, MONDO:0700092.

Submissions (4):

GeneDx
Classification: Pathogenic. Last evaluated: 2024-09-25. Review status: criteria provided, single submitter. Criteria: GeneDx Variant Classification Process June 2021. Collection method: clinical testing. Allele origin: germline. Affected: yes.
Comment: Frameshift variant predicted to result in abnormal protein length as the last 630 amino acids are replaced with 9 different amino acids, and other similar variants have been reported; Not observed at significant frequency in large population cohorts (gnomAD); This variant is associated with the following publications: (PMID: 33004838, 38281861, 31723249)

Equipe Genetique des Anomalies du Developpement, Université de Bourgogne
Classification: Pathogenic for Intellectual developmental disorder, autosomal dominant 64. Last evaluated: 2024-03-26. Review status: criteria provided, single submitter. Criteria: ACMG Guidelines, 2015. Collection method: clinical testing. Allele origin: germline. Affected: yes.

Eurofins-Biomnis
Classification: Pathogenic for Intellectual developmental disorder, autosomal dominant 64. Last evaluated: 2022-10-07. Review status: criteria provided, single submitter. Criteria: Accession Criteria ClinVar Biomnis. Collection method: clinical testing. Allele origin: germline. Affected: yes. Observed: 1 heterozygote.

University of Washington Center for Mendelian Genomics, University of Washington
Classification: Likely pathogenic for Neurodevelopmental disorder. Review status: no assertion criteria provided. Collection method: research. Allele origin: de novo. Affected: yes. Not counted in ClinVar's aggregate classification.

Literature cited by the submitters: PubMed 31723249 (cited by University of Washington Center for Mendelian Genomics, University of Washington).

NM_015021.3(ZNF292):c.6279dup (p.Arg2094fs)

Gene: ZNF292 (zinc finger protein 292; plus strand). Cytogenetic location: 6q14.3.
Variant type: Duplication.
Coding change: c.6279dup on transcript NM_015021.3 (MANE Select); coding-DNA position 6279, one base duplicated (A; older notation c.6279dupA).
Protein change: p.Arg2094fs; shifts the reading frame from arginine 2094.
Molecular consequence: frameshift variant.
Genome position (GRCh38, 1-based): chr6:87,259,908, A duplicated; the last of 6 consecutive A bases (chr6:87,259,903-87,259,908); duplicating any one gives the same sequence. VCF-style (leftmost placement, unchanged base first): chr6-87259902-G-GA. GRCh37 (hg19) VCF-style: chr6-87969620-G-GA.
Other names: c.5859dup, p.Arg1954fs (NM_001351444.2); c.6279dup (NM_015021.1); short protein forms R1954fs, R2094fs.
Identifiers: ClinVar variation 982198 (VCV000982198.6), dbSNP rs1775468280, ClinGen allele CA451345783.